The following is an entry in ClinVar:

NM_020921.4(NIN):c.5275T>C (p.Ser1759Pro)

Gene: NIN (ninein; minus strand). Cytogenetic location: 14q22.1.
Variant type: single nucleotide variant.
Coding change: c.5275T>C on transcript NM_020921.4 (MANE Select); coding-DNA position 5275, T replaced by C.
Protein change: p.Ser1759Pro; replaces serine 1759 with proline.
Molecular consequence: missense variant.
Genome position (GRCh38, 1-based): chr14:50,743,442, A>G on the plus strand (T>C on the coding strand, the complement: NIN is on the minus strand). VCF-style: chr14-50743442-A-G. GRCh37 (hg19) VCF-style: chr14-51210160-A-G.
Other names: c.3136T>C, p.Ser1046Pro (NM_016350.5); c.5275T>C, p.Ser1759Pro (NM_182944.3, NM_182946.2); short protein forms S1046P, S1759P.
Identifiers: ClinVar variation 1339916 (VCV001339916.5), dbSNP rs201212734, ClinGen allele CA7181339.

ClinVar aggregate classification (germline): Uncertain significance (1 of 4 stars; one submission).

Conditions:
Seckel syndrome. Also called: Microcephalic primordial dwarfism. Identifiers: Orphanet 324761, Orphanet 808, MedGen C0265202, MONDO:0019342.

Allele frequency attached by ClinVar (database versions not stated): gnomAD exomes below 0.00001 and 0.00003; ExAC 0.00001; gnomAD 0.00002 and 0.00003; TOPMed 0.00002.
gnomAD v4.1: 44 of 1,612,622 alleles (0.0027%); highest among the groups gnomAD compares: Non-Finnish European, 0.0035%; no homozygotes.

Submission:

Labcorp Genetics (formerly Invitae), Labcorp
Classification: Uncertain significance. Last evaluated: 2024-01-19. Review status: criteria provided, single submitter. Criteria: Invitae Variant Classification Sherloc (09022015). Collection method: clinical testing. Allele origin: germline.
Comment: This sequence change replaces serine, which is neutral and polar, with proline, which is neutral and non-polar, at codon 1759 of the NIN protein (p.Ser1759Pro). This variant is present in population databases (rs201212734, gnomAD 0.002%). This variant has not been reported in the literature in individuals affected with NIN-related conditions. ClinVar contains an entry for this variant (Variation ID: 1339916). An algorithm developed to predict the effect of missense changes on protein structure and function (PolyPhen-2) suggests that this variant is likely to be disruptive. In summary, the available evidence is currently insufficient to determine the role of this variant in disease. Therefore, it has been classified as a Variant of Uncertain Significance.